The following is an entry in ClinVar:

NM_003801.4(GPAA1):c.366T>C (p.Tyr122=)

Gene: GPAA1 (glycosylphosphatidylinositol anchor attachment 1; plus strand). Cytogenetic location: 8q24.3.
Variant type: single nucleotide variant.
Coding change: c.366T>C on transcript NM_003801.4 (MANE Select); coding-DNA position 366, T replaced by C.
Protein change: p.Tyr122=; no amino-acid change (tyrosine 122 retained).
Molecular consequence: synonymous variant.
Genome position (GRCh38, 1-based): chr8:144,083,500, T>C. VCF-style: chr8-144083500-T-C. GRCh37 (hg19) VCF-style: chr8-145138403-T-C.
Identifiers: ClinVar variation 3026784 (VCV003026784.22), dbSNP rs1554763842, ClinGen allele CA463540617.

ClinVar aggregate classification (germline): Likely benign (1 of 4 stars; one submission).

Submission:

CeGaT Center for Human Genetics Tuebingen
Classification: Likely benign. Last evaluated: 2023-12-01. Review status: criteria provided, single submitter. Criteria: CeGaT Center For Human Genetics Tuebingen Variant Classification Criteria Version 2. Collection method: clinical testing. Allele origin: germline. Affected: yes. Observed: 1 variant allele.
Comment: GPAA1: PM2:Supporting, BP4, BP7